The following is an entry in ClinVar:

ClinVar aggregate classification (germline): Likely pathogenic (1 of 4 stars; one submission).

Submission:

GeneDx
Classification: Likely pathogenic. Last evaluated: 2021-02-04. Review status: criteria provided, single submitter. Criteria: GeneDx Variant Classification Process June 2021. Collection method: clinical testing. Allele origin: germline. Affected: yes.
Comment: Not observed in large population cohorts (Lek et al., 2016); In silico analysis, which includes protein predictors and evolutionary conservation, supports a deleterious effect; Has not been previously published as pathogenic or benign to our knowledge

NM_000257.4(MYH7):c.979GAG[1] (p.Glu328del)

Gene: MYH7 (myosin heavy chain 7; minus strand). Cytogenetic location: 14q11.2.
Variant type: Microsatellite.
Coding change: c.979GAG[1] on transcript NM_000257.4 (MANE Select); one copy of the 3-base unit GAG starting at c.979; the reference has two copies in a row; one copy, 3 bases deleted.
Protein change: p.Glu328del; deletes glutamic acid 328.
Molecular consequence: inframe deletion.
Genome position (GRCh38, 1-based): chr14:23,430,575-23,430,577, CTC deleted on the plus strand (GAG on the coding strand, the reverse complement: MYH7 is on the minus strand); deleting any 3 consecutive bases within chr14:23,430,575-23,430,580 gives the same sequence; the position shown is the placement nearest the transcript's 3' end. VCF-style (leftmost placement, unchanged base first): chr14-23430574-GCTC-G. GRCh37 (hg19) VCF-style: chr14-23899783-GCTC-G.
Other names: short protein forms E328del.
Identifiers: ClinVar variation 1194284 (VCV001194284.2), dbSNP rs2138679149, ClinGen allele CA2580616570.